The following is an entry in ClinVar:

NM_001378969.1(KCND3):c.1106+15G>A

Gene: KCND3 (potassium voltage-gated channel subfamily D member 3; minus strand). Cytogenetic location: 1p13.2.
Variant type: single nucleotide variant.
Coding change: c.1106+15G>A on transcript NM_001378969.1 (MANE Select); 15 bases into the intron after coding-DNA position 1106, G replaced by A.
Molecular consequence: intron variant.
Genome position (GRCh38, 1-based): chr1:111,981,606, C>T on the plus strand (G>A on the coding strand, the complement: KCND3 is on the minus strand). VCF-style: chr1-111981606-C-T. GRCh37 (hg19) VCF-style: chr1-112524228-C-T.
Other names: c.1106+15G>A (NM_001378970.1, NM_172198.3, NM_004980.5).
Identifiers: ClinVar variation 1980792 (VCV001980792.5), dbSNP rs576387212, ClinGen allele CA1007520.

ClinVar aggregate classification (germline): Benign. Review status: criteria provided, multiple submitters, no conflicts (2 of 4 stars). 2 submissions from 2 submitters: Benign (2). Last evaluated 2026-06-01.

Conditions:
Spinocerebellar ataxia type 19/22 (SCA19). Also called: SPINOCEREBELLAR ATAXIA 19; SPINOCEREBELLAR ATAXIA 22. Identifiers: Orphanet 98772, MedGen C1846367, MONDO:0011819, OMIM 607346.

Allele frequency attached by ClinVar (database versions not stated): TOPMed 0.00002; gnomAD exomes 0.00006; ExAC 0.00006; 1000 Genomes Project 30x 0.00031; 1000 Genomes Project 0.00040.
gnomAD v4.1: 90 of 1,614,114 alleles (0.0056%); highest among the groups gnomAD compares: East Asian, 0.19%; no homozygotes.

Submissions (2):

Women's Health and Genetics/Laboratory Corporation of America, LabCorp
Classification: Benign. Last evaluated: 2026-06-01. Review status: criteria provided, single submitter. Criteria: LabCorp Variant Classification Summary - May 2015. Collection method: clinical testing. Allele origin: germline.
Comment: Variant summary: KCND3 c.1106+15G>A alters a non-conserved nucleotide located at a position not widely known to affect splicing. Consensus agreement among computation tools predict no significant impact on normal splicing. However, these predictions have yet to be confirmed by functional studies. The variant allele was found at a frequency of 7.2e-05 in 251298 control chromosomes. The observed variant frequency exceeds the estimated maximal expected allele frequency for disease-causing variants in KCND3. To our knowledge, no occurrence of c.1106+15G>A in individuals affected with KCND3-related conditions and no experimental evidence demonstrating its impact on protein function have been reported. ClinVar contains an entry for this variant (Variation ID: 1980792). Based on the evidence outlined above, the variant was classified as benign.

Labcorp Genetics (formerly Invitae), Labcorp
Classification: Benign for Spinocerebellar ataxia type 19/22. Last evaluated: 2023-12-09. Review status: criteria provided, single submitter. Criteria: Invitae Variant Classification Sherloc (09022015). Collection method: clinical testing. Allele origin: germline.